The following is an entry in ClinVar:

ClinVar aggregate classification (germline): Uncertain significance (1 of 4 stars; one submission).

Conditions:
Basal cell nevus syndrome 1 (BCNS1). Also called: GORLIN-GOLTZ SYNDROME; MULTIPLE BASAL CELL NEVI, ODONTOGENIC KERATOCYSTS, AND SKELETAL ANOMALIES. Identifiers: MedGen CN376810, MONDO:0958174, OMIM 109400.

Submission:

St. Jude Molecular Pathology, St. Jude Children's Research Hospital
Classification: Uncertain significance for Basal cell nevus syndrome 1. Last evaluated: 2025-06-17. Review status: criteria provided, single submitter. Criteria: St. Jude Assertion Criteria 2020. Collection method: clinical testing. Allele origin: germline.
Comment: The PTCH2 c.1684C>T p.(Leu562Phe) missense change is absent in gnomAD v2.1.1. The in silico tool REVEL is inconclusive about a pathogenic or benign effect of this variant on protein function, and to our knowledge functional studies have not been performed. To our knowledge, this variant has not been reported in individuals with nevoid basal cell carcinoma syndrome. In summary, the evidence currently available is insufficient to determine the clinical significance of this variant. It has therefore been classified as of uncertain significance.

NM_003738.5(PTCH2):c.1684C>T (p.Leu562Phe)

Gene: PTCH2 (patched 2; minus strand). Cytogenetic location: 1p34.1.
Variant type: single nucleotide variant.
Coding change: c.1684C>T on transcript NM_003738.5 (MANE Select); coding-DNA position 1684, C replaced by T.
Protein change: p.Leu562Phe; replaces leucine 562 with phenylalanine.
Molecular consequence: missense variant.
Genome position (GRCh38, 1-based): chr1:44,828,321, G>A on the plus strand (C>T on the coding strand, the complement: PTCH2 is on the minus strand). VCF-style: chr1-44828321-G-A. GRCh37 (hg19) VCF-style: chr1-45293993-G-A.
Other names: c.1684C>T, p.Leu562Phe (NM_001166292.2); short protein forms L562F.
Identifiers: ClinVar variation 4056095 (VCV004056095.2).